The following is an entry in ClinVar:

ClinVar aggregate classification (germline): Uncertain significance. Review status: criteria provided, multiple submitters, no conflicts (2 of 4 stars). 3 submissions from 3 submitters: Uncertain significance (3). Last evaluated 2024-08-06.

Conditions:
Cardiomyopathy (CMYO). Also called: Cardiomyopathies. Identifiers: Orphanet 167848, MedGen C0878544, MONDO:0004994, HP:0001638. Inheritance: Various modes of inheritance.
Arrhythmogenic right ventricular dysplasia 10. Also called: Arrhythmogenic Right Ventricular Dysplasia/Cardiomyopathy10; ARRHYTHMOGENIC RIGHT VENTRICULAR DYSPLASIA, FAMILIAL, 10; Arrhythmogenic right ventricular dysplasia/cardiomyopathy, type 10. Identifiers: MedGen C1857777, MONDO:0012434, OMIM 610193.
Arrhythmogenic right ventricular cardiomyopathy (ARVD). Also called: Arrhythmogenic cardiomyopathy; Cardiomyopathy, ARVC; Arrhythmogenic right ventricular dysplasia; Arrhythmogenic Right Ventricular Cardiomyopathy (ARVC). Identifiers: Orphanet 247, MedGen C0349788, MeSH D019571, MONDO:0016587. Disease mechanism: loss of function. Inheritance: Various modes of inheritance.

gnomAD v4.1: 2 of 1,614,168 alleles (0.00012%); highest among the groups gnomAD compares: South Asian, 0.0022%; no homozygotes.

Submissions (3):

All of Us Research Program, National Institutes of Health
Classification: Uncertain significance for Arrhythmogenic right ventricular cardiomyopathy. Last evaluated: 2024-08-06. Review status: criteria provided, single submitter. Criteria: ACMG Guidelines, 2015. Collection method: clinical testing. Allele origin: germline. Inheritance: Autosomal dominant inheritance. Observed: 1 variant allele, 1 heterozygote.
Comment: Variant of Uncertain Significance due to insufficient evidence: This missense variant is located in the transmembrane domain of the DSG2 protein. Computational prediction tools and conservation analyses are inconclusive regarding the impact of this variant on the protein function. Computational splicing tools suggest that this variant may not impact RNA splicing. To our knowledge, functional assays have not been performed for this variant nor has this variant been reported in individuals affected with cardiovascular disorders in the literature. This variant is rare in the general population and has been identified in 0/277264 chromosomes by the Genome Aggregation Database (gnomAD). Available evidence is insufficient to determine the pathogenicity of this variant conclusively.

This study involves interpretation of variants in research participants for the purpose of population health screening. Participant phenotype was not available at the time of variant classification. Additional details can be found in publication PMID: 35346344, PMCID: PMC8962531

Color Diagnostics, LLC DBA Color Health
Classification: Uncertain significance for Cardiomyopathy. Last evaluated: 2023-12-04. Review status: criteria provided, single submitter. Criteria: ACMG Guidelines, 2015. Collection method: clinical testing. Allele origin: germline.
Comment: Variant of Uncertain Significance due to insufficient evidence: This missense variant is located in the transmembrane domain of the DSG2 protein. Computational prediction tools and conservation analyses are inconclusive regarding the impact of this variant on the protein function. Computational splicing tools suggest that this variant may not impact RNA splicing. To our knowledge, functional assays have not been performed for this variant nor has this variant been reported in individuals affected with cardiovascular disorders in the literature. This variant is rare in the general population and has been identified in 0/277264 chromosomes by the Genome Aggregation Database (gnomAD). Available evidence is insufficient to determine the pathogenicity of this variant conclusively.

Labcorp Genetics (formerly Invitae), Labcorp
Classification: Uncertain significance for Arrhythmogenic right ventricular dysplasia 10. Last evaluated: 2021-10-05. Review status: criteria provided, single submitter. Criteria: Invitae Variant Classification Sherloc (09022015). Collection method: clinical testing. Allele origin: germline.
Comment: This sequence change replaces glycine with alanine at codon 577 of the DSG2 protein (p.Gly577Ala). The glycine residue is highly conserved and there is a small physicochemical difference between glycine and alanine. This variant is not present in population databases (ExAC no frequency). This variant has not been reported in the literature in individuals affected with DSG2-related conditions. ClinVar contains an entry for this variant (Variation ID: 629543). Algorithms developed to predict the effect of missense changes on protein structure and function (SIFT, PolyPhen-2, Align-GVGD) all suggest that this variant is likely to be disruptive. In summary, the available evidence is currently insufficient to determine the role of this variant in disease. Therefore, it has been classified as a Variant of Uncertain Significance.

NM_001943.5(DSG2):c.1730G>C (p.Gly577Ala)

Gene: DSG2 (desmoglein 2; plus strand). Cytogenetic location: 18q12.1.
Variant type: single nucleotide variant.
Coding change: c.1730G>C on transcript NM_001943.5 (MANE Select); coding-DNA position 1730, G replaced by C.
Protein change: p.Gly577Ala; replaces glycine 577 with alanine.
Molecular consequence: missense variant.
Genome position (GRCh38, 1-based): chr18:31,538,829, G>C. VCF-style: chr18-31538829-G-C. GRCh37 (hg19) VCF-style: chr18-29118792-G-C.
Other names: short protein forms G577A.
Identifiers: ClinVar variation 629543 (VCV000629543.7), dbSNP rs1567931644, ClinGen allele CA402137287.